The following is an entry in ClinVar:

ClinVar aggregate classification (germline): Conflicting classifications of pathogenicity. Review status: criteria provided, conflicting classifications (1 of 4 stars). 3 submissions from 3 submitters: Pathogenic (1); Uncertain significance (1). 1 of the submissions does not count toward it. Last evaluated 2025-11-06.

Conditions:
Congenital secretory diarrhea, chloride type (DIAR1). Also called: DIARRHEA 1, SECRETORY CHLORIDE, CONGENITAL; CHLORIDORRHEA, CONGENITAL; CHLORIDE DIARRHEA, CONGENITAL, FINNISH TYPE. Identifiers: Orphanet 53689, MedGen C0267662, MONDO:0008964, OMIM 214700.

Submissions (3):

Intergen Genetics and Rare Diseases Diagnosis Center
Classification: Pathogenic for Congenital secretory diarrhea, chloride type. Last evaluated: 2025-11-06. Review status: criteria provided, single submitter. Criteria: ACMG Guidelines, 2015. Collection method: clinical testing. Allele origin: unknown. Inheritance: Autosomal recessive inheritance. Affected: yes. Observed: 1 homozygote.
Comment: The Tyr520Cys variant in SLC26A3 has been reported in 1 patient with hypokalemia, metabolic alkalosis, and evidence of salt wasting (Choi, 2009). The variant is absent from large population databases (not found in gnomad).

Labcorp Genetics (formerly Invitae), Labcorp
Classification: Uncertain significance. Last evaluated: 2024-08-20. Review status: criteria provided, single submitter. Criteria: Invitae Variant Classification Sherloc (09022015). Collection method: clinical testing. Allele origin: germline.
Comment: This sequence change replaces tyrosine, which is neutral and polar, with cysteine, which is neutral and slightly polar, at codon 520 of the SLC26A3 protein (p.Tyr520Cys). This variant is not present in population databases (gnomAD no frequency). This missense change has been observed in individual(s) with Bartter syndrome (PMID: 19861545). ClinVar contains an entry for this variant (Variation ID: 55980). Invitae Evidence Modeling of protein sequence and biophysical properties (such as structural, functional, and spatial information, amino acid conservation, physicochemical variation, residue mobility, and thermodynamic stability) indicates that this missense variant is expected to disrupt SLC26A3 protein function with a positive predictive value of 80%. Algorithms developed to predict the effect of sequence changes on RNA splicing suggest that this variant may disrupt the consensus splice site. In summary, the available evidence is currently insufficient to determine the role of this variant in disease. Therefore, it has been classified as a Variant of Uncertain Significance.

Juha Muilu Group; Institute for Molecular Medicine Finland (FIMM)
Classification: Likely pathogenic for Congenital secretory diarrhea, chloride type. Review status: no assertion criteria provided. Collection method: not provided. Allele origin: unknown. Not counted in ClinVar's aggregate classification.
Comment: FinDis database variant: This variant was not found or characterized by our laboratory, data were collected from public sources: see reference
ClinVar note: Converted during submission from probable-pathogenic to Likely pathogenic.

Literature cited by the submitters: PubMed 19861545 (cited by Intergen Genetics and Rare Diseases Diagnosis Center and Labcorp Genetics (formerly Invitae), Labcorp).

NM_000111.3(SLC26A3):c.1559A>G (p.Tyr520Cys)

Gene: SLC26A3 (solute carrier family 26 member 3; minus strand). Cytogenetic location: 7q22.3.
Variant type: single nucleotide variant.
Coding change: c.1559A>G on transcript NM_000111.3 (MANE Select); coding-DNA position 1559, A replaced by G.
Protein change: p.Tyr520Cys; replaces tyrosine 520 with cysteine.
Molecular consequence: missense variant.
Genome position (GRCh38, 1-based): chr7:107,776,662, T>C on the plus strand (A>G on the coding strand, the complement: SLC26A3 is on the minus strand). VCF-style: chr7-107776662-T-C. GRCh37 (hg19) VCF-style: chr7-107417107-T-C.
Other names: short protein forms Y520C.
Identifiers: ClinVar variation 55980 (VCV000055980.5), dbSNP rs386833462, ClinGen allele CA144065.